The following is an entry in ClinVar:

ClinVar aggregate classification (germline): Likely pathogenic (1 of 4 stars; one submission).

Submission:

Dasa
Classification: Likely pathogenic. Last evaluated: 2025-01-28. Review status: criteria provided, single submitter. Criteria: DASA Assertion Criteria. Collection method: clinical testing. Allele origin: germline.
Comment: NM_019026.6(TMCO1):c.358_359delinsTAAAA (p.Thr120*) is a nonsense variant in TMCO1 predicted to introduce a premature termination codon and is predicted to result in an absent or altered protein product. Loss of function is an established disease mechanism for TMCO1-associated disorders. Also, this variant is absent from population databases. Based on the currently available evidence, this variant is classified as likely pathogenic.

NM_019026.6(TMCO1):c.358_359delinsTAAAA (p.Thr120Ter)

Gene: TMCO1 (transmembrane and coiled-coil domains 1; minus strand). Cytogenetic location: 1q24.1.
Variant type: Indel.
Coding change: c.358_359delinsTAAAA on transcript NM_019026.6 (MANE Select); coding-DNA positions 358 to 359, AC replaced by TAAAA.
Protein change: p.Thr120Ter; replaces threonine 120 with a stop codon.
Molecular consequence: nonsense. On other transcripts: non-coding transcript variant (1).
Genome position (GRCh38, 1-based): chr1:165,743,276-165,743,277, GT replaced by TTTTA on the plus strand (AC replaced by TAAAA on the coding strand, the reverse complement: TMCO1 is on the minus strand). VCF-style: chr1-165743276-GT-TTTTA. GRCh37 (hg19) VCF-style: chr1-165712513-GT-TTTTA.
Other names: c.409_410delinsTAAAA, p.Thr137Ter (NM_001256164.1); c.322_323delinsTAAAA, p.Thr108Ter (NM_001256165.1); short protein forms T108*, T120*, T137*.
Identifiers: ClinVar variation 4880763 (VCV004880763.2).